The following is an entry in ClinVar:

ClinVar aggregate classification (germline): Pathogenic. Review status: criteria provided, multiple submitters, no conflicts (2 of 4 stars). 2 submissions from 2 submitters: Pathogenic (2). Last evaluated 2025-11-04.

Conditions:
DNAH11-related disorder. Also called: DNAH11-related condition.
Primary ciliary dyskinesia. Also called: Ciliary dyskinesia. Identifiers: Orphanet 244, MedGen C0008780, MONDO:0016575, HP:0012265.

Allele frequency attached by ClinVar (database versions not stated): gnomAD exomes below 0.00001; gnomAD 0.00002; TOPMed 0.00002.
gnomAD v4.1: 4 of 1,609,390 alleles (0.00025%); highest among the groups gnomAD compares: Non-Finnish European, 0.00034%; no homozygotes.

Submissions (2):

PreventionGenetics, part of Exact Sciences
Classification: Pathogenic for DNAH11-related condition. Last evaluated: 2025-11-04. Review status: criteria provided, single submitter. Criteria: ACMG Guidelines, 2015. Collection method: clinical testing. Allele origin: germline.
Comment: The DNAH11 c.11203-2A>G variant is predicted to disrupt the AG splice acceptor site and interfere with normal splicing. This variant was reported in the homozygous state in an individual with primary ciliary dyskinesia (Blanchon et al. 2020. PubMed ID: 31772028). This variant is reported in 0.0065% of alleles in individuals of European (Non-Finnish) descent in gnomAD. Variants that disrupt the consensus splice acceptor site in DNAH11 are expected to be pathogenic. This variant is interpreted as pathogenic.

Labcorp Genetics (formerly Invitae), Labcorp
Classification: Pathogenic for Primary ciliary dyskinesia. Last evaluated: 2023-08-28. Review status: criteria provided, single submitter. Criteria: Invitae Variant Classification Sherloc (09022015). Collection method: clinical testing. Allele origin: germline.
Comment: ClinVar contains an entry for this variant (Variation ID: 1985549). This sequence change affects an acceptor splice site in intron 68 of the DNAH11 gene. It is expected to disrupt RNA splicing. Variants that disrupt the donor or acceptor splice site typically lead to a loss of protein function (PMID: 16199547), and loss-of-function variants in DNAH11 are known to be pathogenic (PMID: 18022865, 20513915, 22184204). This variant is present in population databases (no rsID available, gnomAD 0.002%). Disruption of this splice site has been observed in individuals with primary ciliary dyskinesia (PMID: 31772028). Algorithms developed to predict the effect of sequence changes on RNA splicing suggest that this variant may disrupt the consensus splice site. For these reasons, this variant has been classified as Pathogenic.

Literature cited by the submitters: PubMed 16199547 (cited by Labcorp Genetics (formerly Invitae), Labcorp); PubMed 18022865 (cited by Labcorp Genetics (formerly Invitae), Labcorp); PubMed 20513915 (cited by Labcorp Genetics (formerly Invitae), Labcorp); PubMed 22184204 (cited by Labcorp Genetics (formerly Invitae), Labcorp); PubMed 31772028 (cited by Labcorp Genetics (formerly Invitae), Labcorp).

NM_001277115.2(DNAH11):c.11203-2A>G

Gene: DNAH11 (dynein axonemal heavy chain 11; plus strand). Cytogenetic location: 7p15.3.
Variant type: single nucleotide variant.
Coding change: c.11203-2A>G on transcript NM_001277115.2 (MANE Select); the canonical splice acceptor site of the intron before coding-DNA position 11203, A replaced by G.
Molecular consequence: splice acceptor variant.
Genome position (GRCh38, 1-based): chr7:21,861,851, A>G. VCF-style: chr7-21861851-A-G. GRCh37 (hg19) VCF-style: chr7-21901469-A-G.
Other names: c.11203-2A>G (NM_001277115.1).
Identifiers: ClinVar variation 1985549 (VCV001985549.5), dbSNP rs1017444476, ClinGen allele CA155135542.